The following is an entry in ClinVar:

ClinVar aggregate classification (germline): Pathogenic/Likely pathogenic. Review status: criteria provided, multiple submitters, no conflicts (2 of 4 stars). 9 submissions from 9 submitters: Pathogenic (2); Likely pathogenic (5). 2 of the submissions do not count toward it. Last evaluated 2026-08-14.

Conditions:
ADCK3 & COQ8A-related disorders.
Inborn genetic diseases. Identifiers: MedGen C0950123, MeSH D030342.
Autosomal recessive ataxia due to ubiquinone deficiency. Also called: Coenzyme Q10 deficiency, primary, 4; SPINOCEREBELLAR ATAXIA, AUTOSOMAL RECESSIVE 9. Identifiers: Orphanet 139485, MedGen C2677589, MONDO:0012784, OMIM 612016.

Allele frequency attached by ClinVar (database versions not stated): TOPMed 0.00003; gnomAD exomes 0.00008 and 0.00012; ExAC 0.00013; gnomAD 0.00014 and 0.00016.
gnomAD v4.1: 137 of 1,612,226 alleles (0.0085%); highest among the groups gnomAD compares: Non-Finnish European, 0.0055%; 1 homozygote.

Submissions (10):

GeneDx
Classification: Likely pathogenic. Last evaluated: 2026-08-14. Review status: criteria provided, single submitter. Criteria: GeneDx Variant Classification Process June 2021. Collection method: clinical testing. Allele origin: germline.
Comment: In silico analysis supports that this missense variant has a deleterious effect on protein structure/function; This variant is associated with the following publications: (PMID: 25356970, 25280894, 32337771, 25131622, 31275557, 39825153, 29255295)

Labcorp Genetics (formerly Invitae), Labcorp
Classification: Pathogenic. Last evaluated: 2025-11-16. Review status: criteria provided, single submitter. Criteria: Invitae Variant Classification Sherloc (09022015). Collection method: clinical testing. Allele origin: germline.
Comment: This sequence change replaces methionine, which is neutral and non-polar, with isoleucine, which is neutral and non-polar, at codon 555 of the COQ8A protein (p.Met555Ile). This variant is present in population databases (rs199874519, gnomAD 0.07%). This missense change has been observed in individuals with clinical features of coenzyme Q10 deficiency (PMID: 25131622, 32337771). It has also been observed to segregate with disease in related individuals. ClinVar contains an entry for this variant (Variation ID: 225030). Invitae Evidence Modeling of protein sequence and biophysical properties (such as structural, functional, and spatial information, amino acid conservation, physicochemical variation, residue mobility, and thermodynamic stability) indicates that this missense variant is expected to disrupt COQ8A protein function with a positive predictive value of 80%. For these reasons, this variant has been classified as Pathogenic.

CeGaT Center for Human Genetics Tuebingen
Classification: Likely pathogenic. Last evaluated: 2025-06-01. Review status: criteria provided, single submitter. Criteria: CeGaT Center For Human Genetics Tuebingen Variant Classification Criteria Version 2. Collection method: clinical testing. Allele origin: germline. Affected: yes. Observed: 5 variant alleles.
Comment: COQ8A: PM3:Strong, PM2

Blueprint Genetics
Classification: Likely pathogenic for ADCK3 & COQ8A-related disorders. Last evaluated: 2024-11-25. Review status: criteria provided, single submitter. Criteria: ACMG Guidelines, 2015. Collection method: clinical testing. Allele origin: germline. Affected: yes. Observed: 5 variant alleles.

Fulgent Genetics
Classification: Pathogenic for Autosomal recessive ataxia due to ubiquinone deficiency. Last evaluated: 2024-02-14. Review status: criteria provided, single submitter. Criteria: ACMG Guidelines, 2015. Collection method: clinical testing. Allele origin: germline.

Athena Diagnostics
Classification: Likely pathogenic. Last evaluated: 2022-06-30. Review status: criteria provided, single submitter. Criteria: Athena Diagnostics Criteria. Collection method: clinical testing. Allele origin: unknown.
Comment: The frequency of this variant in the general population is consistent with pathogenicity. This variant appears to be associated with disease in at least one family. Computational tools predict that this variant is damaging.

Ambry Genetics
Classification: Likely pathogenic for Inborn genetic diseases. Last evaluated: 2014-02-05. Review status: criteria provided, single submitter. Criteria: Ambry Autosomal Dominant and X-Linked criteria (10/2015). Collection method: clinical testing. Allele origin: germline. Observed: 1 variant allele.

Zotz-Klimas Genetics Lab, MVZ Zotz Klimas
Classification: Likely pathogenic for Autosomal recessive ataxia due to ubiquinone deficiency. Last evaluated: 2023-10-09. Review status: no assertion criteria provided. Collection method: clinical testing. Allele origin: germline. Affected: yes. Not counted in ClinVar's aggregate classification.

Solve-RD Consortium
Classification: Likely pathogenic for Autosomal recessive ataxia due to ubiquinone deficiency. Last evaluated: 2022-06-01. Review status: no assertion criteria provided. Collection method: provider interpretation. Allele origin: inherited. Affected: yes. Not counted in ClinVar's aggregate classification.
Comment: Variant confirmed as disease-causing by referring clinical team

Variant identified during reanalysis of unsolved cases by the Solve-RD project. The Solve-RD project has received funding from the European Union’s Horizon 2020 research and innovation programme under grant agreement No 779257.

Dr. Peter K. Rogan Lab, Western University
No classification provided (evidence only). Condition: Familial cancer of breast. Review status: no classification provided. Collection method: in vitro. Allele origin: not applicable. Functional consequence: retained intron. Not counted in ClinVar's aggregate classification.

Literature cited by the submitters: PubMed 25131622 (cited by Labcorp Genetics (formerly Invitae), Labcorp and Athena Diagnostics); PubMed 32337771 (cited by Labcorp Genetics (formerly Invitae), Labcorp and Athena Diagnostics); PubMed 25356970 (cited by Athena Diagnostics); PubMed 25280894 (cited by Athena Diagnostics); PubMed 29255295 (cited by Athena Diagnostics); PubMed 39825153 (cited by Solve-RD Consortium).

NM_020247.5(COQ8A):c.1665G>A (p.Met555Ile)

Gene: COQ8A (coenzyme Q8A; plus strand). Cytogenetic location: 1q42.13.
Variant type: single nucleotide variant.
Coding change: c.1665G>A on transcript NM_020247.5 (MANE Select); coding-DNA position 1665, G replaced by A.
Protein change: p.Met555Ile; replaces methionine 555 with isoleucine.
Molecular consequence: missense variant.
Genome position (GRCh38, 1-based): chr1:226,986,458, G>A. VCF-style: chr1-226986458-G-A. GRCh37 (hg19) VCF-style: chr1-227174159-G-A.
Other names: short protein forms M555I.
Identifiers: ClinVar variation 225030 (VCV000225030.63), dbSNP rs199874519, ClinGen allele CA358215.